The following is an entry in ClinVar:

ClinVar aggregate classification (germline): Uncertain significance (1 of 4 stars; one submission).

Conditions:
Catecholaminergic polymorphic ventricular tachycardia 1. Also called: VENTRICULAR TACHYCARDIA, STRESS-INDUCED POLYMORPHIC 1; RYR2-Related Catecholaminergic Polymorphic Ventricular Tachycardia; VENTRICULAR TACHYCARDIA, CATECHOLAMINERGIC POLYMORPHIC, 1, WITH OR WITHOUT ATRIAL DYSFUNCTION AND/OR DILATED CARDIOMYOPATHY. Identifiers: Orphanet 3286, MedGen C1631597, MONDO:0011484, OMIM 604772.

Submission:

Labcorp Genetics (formerly Invitae), Labcorp
Classification: Uncertain significance for Catecholaminergic polymorphic ventricular tachycardia 1. Last evaluated: 2024-02-25. Review status: criteria provided, single submitter. Criteria: Invitae Variant Classification Sherloc (09022015). Collection method: clinical testing. Allele origin: germline.
Comment: This sequence change creates a premature translational stop signal (p.Leu3140*) in the RYR2 gene. It is expected to result in an absent or disrupted protein product. However, the current clinical and genetic evidence is not sufficient to establish whether loss-of-function variants in RYR2 cause disease. This variant is not present in population databases (gnomAD no frequency). This variant has not been reported in the literature in individuals affected with RYR2-related conditions. Algorithms developed to predict the effect of sequence changes on RNA splicing suggest that this variant may disrupt the consensus splice site. In summary, the available evidence is currently insufficient to determine the role of this variant in disease. Therefore, it has been classified as a Variant of Uncertain Significance.

NM_001035.3(RYR2):c.9419T>A (p.Leu3140Ter)

Gene: RYR2 (ryanodine receptor 2; plus strand). Cytogenetic location: 1q43.
Variant type: single nucleotide variant.
Coding change: c.9419T>A on transcript NM_001035.3 (MANE Select); coding-DNA position 9419, T replaced by A.
Protein change: p.Leu3140Ter; replaces leucine 3140 with a stop codon.
Molecular consequence: nonsense.
Genome position (GRCh38, 1-based): chr1:237,702,029, T>A. VCF-style: chr1-237702029-T-A. GRCh37 (hg19) VCF-style: chr1-237865329-T-A.
Other names: short protein forms L3140*.
Identifiers: ClinVar variation 3604907 (VCV003604907.2).